The following is an entry in ClinVar:

ClinVar aggregate classification (germline): Pathogenic/Likely pathogenic. Review status: criteria provided, multiple submitters, no conflicts (2 of 4 stars). 5 submissions from 5 submitters: Pathogenic (3); Likely pathogenic (1). 1 of the submissions does not count toward it. Last evaluated 2025-02-19.

Conditions:
Maple syrup urine disease type 1A (MSUD1A). Also called: MSUD type 1A. Identifiers: MedGen C1855369, MONDO:0023691, OMIM 248600.
Maple syrup urine disease type 1B (MSUD1B). Also called: MSUD type IB; MSUD type 3 (formerly); MSUD due to deficiency of e1-beta subunit of branched-chain alpha-keto acid dehydrogenase complex. Identifiers: MedGen C2930990, MONDO:0023692, OMIM 620698.
Maple syrup urine disease (MSUD). Identifiers: Orphanet 511, MedGen C0024776, MeSH D008375, MONDO:0009563. Disease mechanism: loss of function.

Submissions (5):

Labcorp Genetics (formerly Invitae), Labcorp
Classification: Pathogenic for Maple syrup urine disease. Last evaluated: 2025-02-19. Review status: criteria provided, single submitter. Criteria: Invitae Variant Classification Sherloc (09022015). Collection method: clinical testing. Allele origin: germline.
Comment: This sequence change affects a donor splice site in intron 5 of the BCKDHB gene. RNA analysis indicates that disruption of this splice site induces altered splicing and may result in an absent or altered protein product. This variant is not present in population databases (gnomAD no frequency). Disruption of this splice site has been observed in individual(s) with maple syrup urine disease (PMID: 8312380, 27507644). ClinVar contains an entry for this variant (Variation ID: 553536). Studies have shown that disruption of this splice site results in skipping of exon 5 and/or exons 5 and 6, and produces a non-functional protein and/or introduces a premature termination codon (PMID: 8312380). For these reasons, this variant has been classified as Pathogenic.

Natera, Inc.
Classification: Likely pathogenic for Maple syrup urine disease type 1B. Last evaluated: 2024-07-23. Review status: criteria provided, single submitter. Criteria: Natera Variant Classification Schema (03/2026). Collection method: clinical testing. Allele origin: germline.
Comment: The c.633+1G>T variant in BCKDHB is a canonical splice donor site variant predicted to affect pre-mRNA splicing, which may result in an abnormal transcript and altered protein product. This variant is expected to result in nonsense mediated decay, truncation, or a dysfunctional protein product. This variant is rare in the general population with a frequency below the threshold expected for the associated phenotype(s). This variant has been observed in one or more individuals affected with the associated recessive disease, as either homozygous or compound heterozygous with a second variant (PMID: 8312380). Given the available evidence, this variant is classified as Likely Pathogenic.

Genome-Nilou Lab
Classification: Pathogenic for Maple syrup urine disease type 1A. Last evaluated: 2021-11-07. Review status: criteria provided, single submitter. Criteria: ACMG Guidelines, 2015. Collection method: clinical testing. Allele origin: germline. Affected: no.

Women's Health and Genetics/Laboratory Corporation of America, LabCorp
Classification: Pathogenic for Maple syrup urine disease. Last evaluated: 2021-02-09. Review status: criteria provided, single submitter. Criteria: LabCorp Variant Classification Summary - May 2015. Collection method: clinical testing. Allele origin: germline.
Comment: Variant summary: BCKDHB c.633+1G>T is located in a canonical splice-site and is predicted to affect mRNA splicing resulting in a significantly altered protein due to either exon skipping, shortening, or inclusion of intronic material. Several computational tools predict a significant impact on normal splicing: Four predict the variant abolishes the canonical 5' splicing donor site. At least one publication reports experimental evidence that this variant affects mRNA splicing (Hayashida_1994). The variant was absent in 251150 control chromosomes. c.633+1G>T has been reported in the literature in homozygosity in at-least one individual affected with Maple Syrup Urine Disease (Hayashida_1994). These data indicate that the variant is associated with disease. One clinical diagnostic laboratory has submitted clinical-significance assessments for this variant to ClinVar after 2014 and classified the variant as likely pathogenic citing overlapping evidence utilized in the context of this evaluation. Based on the evidence outlined above, the variant was classified as pathogenic.

Counsyl
Classification: Likely pathogenic for Maple syrup urine disease type 1A. Last evaluated: 2017-08-30. Review status: no assertion criteria provided. Collection method: clinical testing. Allele origin: unknown. Not counted in ClinVar's aggregate classification.

Literature cited by the submitters: PubMed 8312380 (cited by 4 submitters); PubMed 27507644 (cited by Labcorp Genetics (formerly Invitae), Labcorp); PubMed 25525159 (cited by Counsyl).

NM_183050.4(BCKDHB):c.633+1G>T

Gene: BCKDHB (branched chain keto acid dehydrogenase E1 subunit beta; plus strand). Cytogenetic location: 6q14.1.
Variant type: single nucleotide variant.
Coding change: c.633+1G>T on transcript NM_183050.4 (MANE Select); the canonical splice donor site of the intron after coding-DNA position 633, G replaced by T.
Molecular consequence: splice donor variant.
Genome position (GRCh38, 1-based): chr6:80,169,031, G>T. VCF-style: chr6-80169031-G-T. GRCh37 (hg19) VCF-style: chr6-80878748-G-T.
Other names: c.423+1G>T (NM_001318975.1); c.633+1G>T (NM_000056.5).
Identifiers: ClinVar variation 553536 (VCV000553536.9), dbSNP rs398124589, ClinGen allele CA364658206.